The following is an entry in ClinVar:

NM_001846.4(COL4A2):c.3608G>A (p.Gly1203Asp)

Gene: COL4A2 (collagen type IV alpha 2 chain; plus strand). Cytogenetic location: 13q34.
Variant type: single nucleotide variant.
Coding change: c.3608G>A on transcript NM_001846.4 (MANE Select); coding-DNA position 3608, G replaced by A.
Protein change: p.Gly1203Asp; replaces glycine 1203 with aspartic acid.
Molecular consequence: missense variant.
Genome position (GRCh38, 1-based): chr13:110,493,256, G>A. VCF-style: chr13-110493256-G-A. GRCh37 (hg19) VCF-style: chr13-111145603-G-A.
Other names: short protein forms G1203D.
Identifiers: ClinVar variation 1709083 (VCV001709083.2), dbSNP rs2502185076, ClinGen allele CA388732974.

ClinVar aggregate classification (germline): Uncertain significance (1 of 4 stars; one submission).

Conditions:
Hemorrhage, intracerebral, susceptibility to (ICH). Also called: Stroke, hemorrhagic, susceptibility to. Identifiers: MedGen C3281105, MONDO:0100533, OMIM 614519.

Submission:

MGZ Medical Genetics Center
Classification: Uncertain significance for Hemorrhage, intracerebral, susceptibility to. Last evaluated: 2022-01-20. Review status: criteria provided, single submitter. Criteria: ACMG Guidelines, 2015. Collection method: clinical testing. Allele origin: germline. Affected: yes. Observed: 1 variant allele.
Comment: ACMG criteria applied: PM2_SUP, PP3